The following is an entry in ClinVar:

ClinVar aggregate classification (germline): Uncertain significance (1 of 4 stars; one submission).

Conditions:
Facioscapulohumeral muscular dystrophy 2 (FSHD2). Also called: MUSCULAR DYSTROPHY, FACIOSCAPULOHUMERAL, TYPE 1B; FACIOSCAPULOHUMERAL MUSCULAR DYSTROPHY 2, DIGENIC; FSHD2, DIGENIC. Identifiers: Orphanet 269, MedGen C1834671, MONDO:0008031, OMIM 158901.

gnomAD v4.1: 4 of 1,503,096 alleles (0.00027%); highest among the groups gnomAD compares: Non-Finnish European, 0.00026%; no homozygotes.

Submission:

Labcorp Genetics (formerly Invitae), Labcorp
Classification: Uncertain significance for Facioscapulohumeral muscular dystrophy 2. Last evaluated: 2024-10-16. Review status: criteria provided, single submitter. Criteria: Invitae Variant Classification Sherloc (09022015). Collection method: clinical testing. Allele origin: germline.
Comment: This sequence change replaces arginine, which is basic and polar, with cysteine, which is neutral and slightly polar, at codon 50 of the SMCHD1 protein (p.Arg50Cys). This variant is present in population databases (no rsID available, gnomAD 0.007%). This variant has not been reported in the literature in individuals affected with SMCHD1-related conditions. An algorithm developed to predict the effect of missense changes on protein structure and function (PolyPhen-2) suggests that this variant is likely to be tolerated. In summary, the available evidence is currently insufficient to determine the role of this variant in disease. Therefore, it has been classified as a Variant of Uncertain Significance.

NM_015295.3(SMCHD1):c.148C>T (p.Arg50Cys)

Gene: SMCHD1 (structural maintenance of chromosomes flexible hinge domain containing 1; plus strand). Cytogenetic location: 18p11.32.
Variant type: single nucleotide variant.
Coding change: c.148C>T on transcript NM_015295.3 (MANE Select); coding-DNA position 148, C replaced by T.
Protein change: p.Arg50Cys; replaces arginine 50 with cysteine.
Molecular consequence: missense variant.
Genome position (GRCh38, 1-based): chr18:2,656,223, C>T. VCF-style: chr18-2656223-C-T. GRCh37 (hg19) VCF-style: chr18-2656222-C-T.
Other names: short protein forms R50C.
Identifiers: ClinVar variation 3707900 (VCV003707900.2).